The following is an entry in ClinVar:

NM_000540.3(RYR1):c.1399C>G (p.Leu467Val)

Gene: RYR1 (ryanodine receptor 1; plus strand). Cytogenetic location: 19q13.2.
Variant type: single nucleotide variant.
Coding change: c.1399C>G on transcript NM_000540.3 (MANE Select); coding-DNA position 1399, C replaced by G.
Protein change: p.Leu467Val; replaces leucine 467 with valine.
Molecular consequence: missense variant.
Genome position (GRCh38, 1-based): chr19:38,452,973, C>G. VCF-style: chr19-38452973-C-G. GRCh37 (hg19) VCF-style: chr19-38943613-C-G.
Other names: c.1399C>G, p.Leu467Val (NM_001042723.2); short protein forms L467V.
Identifiers: ClinVar variation 4886158 (VCV004886158.2).
Genomic context (GRCh38, chr19:38,452,973, plus strand): 5'-CTCATCATCTACTTCGAGCCTCCCTCCGAGGACTTGCAGCACGAGGAGAAGCAGAGCAAG[C>G]TGCGAAGCCTGCGCAACCGCCAGAGCCTCTTCCAGGAGGAGGTGAGGACGTGGCGAGGGC-3'
Protein context (NP_000531.2, residues 457-477): DLQHEEKQSK[Leu467Val]RSLRNRQSLF

ClinVar aggregate classification (germline): Uncertain significance (1 of 4 stars; one submission).

Submission:

Dasa
Classification: Uncertain significance. Last evaluated: 2025-10-10. Review status: criteria provided, single submitter. Criteria: DASA Assertion Criteria. Collection method: clinical testing. Allele origin: germline.
Comment: NM_000540.3(RYR1):c.1399C>G (p.Leu467Val) is a missense variant that results in the substitution of leucine with valine. This variant is absent from population databases. Computational prediction algorithms are consistent with a deleterious effect. The currently available literature and clinical evidence are not sufficient to establish a definitive association between this variant and the reported condition. Therefore, this variant is classified as a variant of uncertain significance.